The following is an entry in ClinVar:

ClinVar aggregate classification (germline): Pathogenic (1 of 4 stars; one submission).

Conditions:
Familial thoracic aortic aneurysm and aortic dissection (TAAD). Also called: Thoracic aortic aneurysms and dissections. Identifiers: Orphanet 91387, MedGen C4707243, MONDO:0019625.
Marfan syndrome (MFS). Also called: FBN1-Related Marfan Syndrome; Marfan's syndrome; MARFAN SYNDROME, TYPE I; Marfan syndrome type 1; Marfan syndrome, classic. Identifiers: Orphanet 284963, Orphanet 558, MedGen C0024796, MONDO:0007947, OMIM 154700.

Submission:

Labcorp Genetics (formerly Invitae), Labcorp
Classification: Pathogenic for Marfan syndrome; Familial thoracic aortic aneurysm and aortic dissection. Last evaluated: 2019-07-30. Review status: criteria provided, single submitter. Criteria: Invitae Variant Classification Sherloc (09022015). Collection method: clinical testing. Allele origin: germline.
Comment: This sequence change inserts a large fragment of DNA, likely a transposable element, in exon 15 of the FBN1 gene (c.1782_1783insSVA), causing a frameshift at codon 595 (p.Lys595fs). The exact size and sequence of the insertion cannot be determined by the current assay. However, the insertion is expected to result in an absent or disrupted protein product. This variant has not been reported in the literature in individuals with FBN1-related conditions. Retrotransposon insertions including LINE1 (L1), Alu, and SVA (SINE-VNTR-Alu) have been reported to be disease-causing through disruption of either a coding region or splice site (PMID: 19763152, 20307669, 22406018) and loss-of-function variants in FBN1 are known to be pathogenic (PMID: 17657824, 19293843). For these reasons, this variant has been classified as Pathogenic.

Literature cited by the submitters: PubMed 20307669; PubMed 19293843; PubMed 22406018; PubMed 19763152; PubMed 17657824.

NM_000138.5(FBN1):c.1782_1783insSVAelement

Gene: FBN1 (fibrillin 1; minus strand). Cytogenetic location: 15q21.1.
Variant type: Insertion.
Coding change: c.1782_1783insSVAelement on transcript NM_000138.5; coding-DNA positions 1782 to 1783, an insertion.
Other names: NM_000138.4:c.1782_1783insSVA.
Identifiers: ClinVar variation 870233 (VCV000870233.1).